The following is an entry in ClinVar:

ClinVar aggregate classification (germline): Uncertain significance (1 of 4 stars; one submission).

Submission:

GeneDx
Classification: Uncertain significance. Last evaluated: 2025-10-24. Review status: criteria provided, single submitter. Criteria: GeneDx Variant Classification Process June 2021. Collection method: clinical testing. Allele origin: germline.
Comment: Not observed at significant frequency in large population cohorts (gnomAD); In silico analysis supports that this missense variant has a deleterious effect on protein structure/function; Has not been previously published as pathogenic or benign to our knowledge

NM_001287491.2(TET3):c.1677G>T (p.Trp559Cys)

Gene: TET3 (tet methylcytosine dioxygenase 3; plus strand). Cytogenetic location: 2p13.1.
Variant type: single nucleotide variant.
Coding change: c.1677G>T on transcript NM_001287491.2 (MANE Select); coding-DNA position 1677, G replaced by T.
Protein change: p.Trp559Cys; replaces tryptophan 559 with cysteine.
Molecular consequence: missense variant.
Genome position (GRCh38, 1-based): chr2:74,047,594, G>T. VCF-style: chr2-74047594-G-T. GRCh37 (hg19) VCF-style: chr2-74274721-G-T.
Other names: c.1398G>T, p.Trp466Cys (NM_001366022.1); short protein forms W466C, W559C.
Identifiers: ClinVar variation 3365706 (VCV003365706.2).